The following is an entry in ClinVar:

ClinVar aggregate classification (germline): Pathogenic/Likely pathogenic. Review status: criteria provided, multiple submitters, no conflicts (2 of 4 stars). 3 submissions from 3 submitters: Pathogenic (1); Likely pathogenic (1). 1 of the submissions does not count toward it. Last evaluated 2024-03-30.

Conditions:
TRPM1-related disorder. Also called: TRPM1-related condition.
Congenital stationary night blindness 1C. Also called: Night blindness, congenital stationary (complete), 1C, autosomal recessive. Identifiers: Orphanet 215, MedGen C2750747, MONDO:0013183, OMIM 613216.

gnomAD v4.1: 19 of 1,614,122 alleles (0.0012%); highest among the groups gnomAD compares: Non-Finnish European, 0.0016%; no homozygotes.

Submissions (3):

Labcorp Genetics (formerly Invitae), Labcorp
Classification: Pathogenic. Last evaluated: 2024-03-30. Review status: criteria provided, single submitter. Criteria: Invitae Variant Classification Sherloc (09022015). Collection method: clinical testing. Allele origin: germline.
Comment: This sequence change creates a premature translational stop signal (p.Tyr1035*) in the TRPM1 gene. It is expected to result in an absent or disrupted protein product. Loss-of-function variants in TRPM1 are known to be pathogenic (PMID: 19896113, 19966281, 20300565). This variant is not present in population databases (gnomAD no frequency). This premature translational stop signal has been observed in individual(s) with night blindness (PMID: 19878917). ClinVar contains an entry for this variant (Variation ID: 6225). For these reasons, this variant has been classified as Pathogenic.

Blueprint Genetics
Classification: Likely pathogenic for TRPM1-related disorders. Last evaluated: 2021-07-20. Review status: criteria provided, single submitter. Criteria: ACMG Guidelines, 2015. Collection method: clinical testing. Allele origin: germline. Affected: yes. Observed: 2 variant alleles.

OMIM
Classification: Pathogenic for NIGHT BLINDNESS, CONGENITAL STATIONARY, TYPE 1C. Last evaluated: 2009-11-01. Review status: no assertion criteria provided. Collection method: literature only. Allele origin: germline. Not counted in ClinVar's aggregate classification.

Literature cited by the submitters: PubMed 19896113 (cited by Labcorp Genetics (formerly Invitae), Labcorp); PubMed 19966281 (cited by Labcorp Genetics (formerly Invitae), Labcorp); PubMed 20300565 (cited by Labcorp Genetics (formerly Invitae), Labcorp); PubMed 19878917 (cited by Labcorp Genetics (formerly Invitae), Labcorp and OMIM).

NM_001252024.2(TRPM1):c.3171T>A (p.Tyr1057Ter)

Genes: TRPM1 (transient receptor potential cation channel subfamily M member 1; minus strand), TRPM1-AS1 (TRPM1 antisense RNA 1; plus strand). Cytogenetic location: 15q13.3.
Variant type: single nucleotide variant.
Coding change: c.3171T>A on transcript NM_001252024.2 (MANE Select); coding-DNA position 3171, T replaced by A.
Protein change: p.Tyr1057Ter; replaces tyrosine 1057 with a stop codon.
Molecular consequence: nonsense.
Genome position (GRCh38, 1-based): chr15:31,028,454, A>T on the plus strand (T>A on the coding strand, the complement: TRPM1 is on the minus strand). VCF-style: chr15-31028454-A-T. GRCh37 (hg19) VCF-style: chr15-31320657-A-T.
Other names: c.3222T>A, p.Tyr1074Ter (NM_001252020.2); c.3105T>A, p.Tyr1035Ter (NM_002420.6); short protein forms Y1035*, Y1074*, Y1057*.
Identifiers: ClinVar variation 6225 (VCV000006225.5), dbSNP rs267607140, ClinGen allele CA118065.